The following is an entry in ClinVar:

ClinVar aggregate classification (germline): Likely pathogenic (1 of 4 stars; one submission).

Submission:

GeneDx
Classification: Likely pathogenic. Last evaluated: 2023-03-09. Review status: criteria provided, single submitter. Criteria: GeneDx Variant Classification Process June 2021. Collection method: clinical testing. Allele origin: germline. Affected: yes.
Comment: Not observed at significant frequency in large population cohorts (gnomAD); In silico analysis supports that this missense variant has a deleterious effect on protein structure/function; Has not been previously published as pathogenic or benign to our knowledge

NM_177559.3(CSNK2A1):c.242A>C (p.Glu81Ala)

Gene: CSNK2A1 (casein kinase 2 alpha 1; minus strand). Cytogenetic location: 20p13.
Variant type: single nucleotide variant.
Coding change: c.242A>C on transcript NM_177559.3 (MANE Select); coding-DNA position 242, A replaced by C.
Protein change: p.Glu81Ala; replaces glutamic acid 81 with alanine.
Molecular consequence: missense variant. On other transcripts: 5 prime UTR variant (1).
Genome position (GRCh38, 1-based): chr20:499,906, T>G on the plus strand (A>C on the coding strand, the complement: CSNK2A1 is on the minus strand). VCF-style: chr20-499906-T-G. GRCh37 (hg19) VCF-style: chr20-480550-T-G.
Other names: c.242A>C, p.Glu81Ala (NM_001362770.2, NM_001362771.2, NM_001895.4); c.-167A>C (NM_177560.3); short protein forms E81A.
Identifiers: ClinVar variation 2443592 (VCV002443592.1), dbSNP rs2514662565, ClinGen allele CA407937585.